The following is an entry in ClinVar:

NM_003542.4(H4C3):c.42T>C (p.Gly14=)

Gene: H4C3 (H4 clustered histone 3; plus strand). Cytogenetic location: 6p22.2.
Variant type: single nucleotide variant.
Coding change: c.42T>C on transcript NM_003542.4 (MANE Select); coding-DNA position 42, T replaced by C.
Protein change: p.Gly14=; no amino-acid change (glycine 14 retained).
Molecular consequence: synonymous variant.
Genome position (GRCh38, 1-based): chr6:26,103,989, T>C. VCF-style: chr6-26103989-T-C. GRCh37 (hg19) VCF-style: chr6-26104217-T-C.
Identifiers: ClinVar variation 3034316 (VCV003034316.2), dbSNP rs147057053, ClinGen allele CA3666909.

ClinVar aggregate classification (germline): Benign (0 of 4 stars; one submission).

Conditions:
H4C3-related disorder. Also called: H4C3-related condition.

Allele frequency attached by ClinVar (database versions not stated): ESP Exome Variant Server 0.00031; gnomAD 0.00597; 1000 Genomes Project 0.01098; TOPMed 0.01142; ExAC 0.01236; 1000 Genomes Project 30x 0.01249.

Submission:

PreventionGenetics, part of Exact Sciences
Classification: Benign for H4C3-related condition. Last evaluated: 2019-11-12. Review status: no assertion criteria provided. Collection method: clinical testing. Allele origin: germline.
Comment: This variant is classified as benign based on ACMG/AMP sequence variant interpretation guidelines (Richards et al. 2015 PMID: 25741868, with internal and published modifications).